The following is an entry in ClinVar:

NM_001127208.3(TET2):c.1948C>T (p.His650Tyr)

Genes: TET2 (tet methylcytosine dioxygenase 2; plus strand), TET2-AS1 (TET2 antisense RNA 1; minus strand). Cytogenetic location: 4q24.
Variant type: single nucleotide variant.
Coding change: c.1948C>T on transcript NM_001127208.3 (MANE Select); coding-DNA position 1948, C replaced by T.
Protein change: p.His650Tyr; replaces histidine 650 with tyrosine.
Molecular consequence: missense variant.
Genome position (GRCh38, 1-based): chr4:105,235,890, C>T. VCF-style: chr4-105235890-C-T. GRCh37 (hg19) VCF-style: chr4-106157047-C-T.
Other names: c.1948C>T, p.His650Tyr (NM_017628.4); short protein forms H650Y.
Identifiers: ClinVar variation 3806082 (VCV003806082.1).

ClinVar aggregate classification (germline): Uncertain significance (1 of 4 stars; one submission).

gnomAD v4.1: 8 of 1,614,040 alleles (0.0005%); highest among the groups gnomAD compares: South Asian, 0.0088%; 1 homozygote.

Submission:

Ambry Genetics
Classification: Uncertain significance. Last evaluated: 2025-02-22. Review status: criteria provided, single submitter. Criteria: Ambry Variant Classification Scheme 2023. Collection method: clinical testing. Allele origin: germline.
Comment: The p.H650Y variant (also known as c.1948C>T), located in coding exon 1 of the TET2 gene, results from a C to T substitution at nucleotide position 1948. The histidine at codon 650 is replaced by tyrosine, an amino acid with similar properties. This amino acid position is conserved. In addition, this alteration is predicted to be tolerated by in silico analysis. Based on the available evidence, the clinical significance of this variant remains unclear.